The following is an entry in ClinVar:

NM_001365999.1(SZT2):c.9507C>T (p.Val3169=)

Genes: SZT2 (SZT2 subunit of KICSTOR complex; plus strand), SZT2-AS1 (SZT2 antisense RNA 1; minus strand). Cytogenetic location: 1p34.2.
Variant type: single nucleotide variant.
Coding change: c.9507C>T on transcript NM_001365999.1 (MANE Select); coding-DNA position 9507, C replaced by T.
Protein change: p.Val3169=; no amino-acid change (valine 3169 retained).
Molecular consequence: synonymous variant. On other transcripts: non-coding transcript variant (1).
Genome position (GRCh38, 1-based): chr1:43,447,915, C>T. VCF-style: chr1-43447915-C-T. GRCh37 (hg19) VCF-style: chr1-43913586-C-T.
Other names: c.9336C>T, p.Val3112= (NM_015284.4); c.948C>T, p.Val316= (NM_024547.1).
Identifiers: ClinVar variation 2638757 (VCV002638757.24), dbSNP rs1225228635, ClinGen allele CA417551700.

ClinVar aggregate classification (germline): Likely benign (1 of 4 stars; one submission).

Allele frequency attached by ClinVar (database versions not stated): gnomAD exomes below 0.00001.
gnomAD v4.1: 3 of 1,614,110 alleles (0.00019%); highest among the groups gnomAD compares: Non-Finnish European, 0.00025%; no homozygotes.

Submission:

CeGaT Center for Human Genetics Tuebingen
Classification: Likely benign. Last evaluated: 2023-02-01. Review status: criteria provided, single submitter. Criteria: CeGaT Center For Human Genetics Tuebingen Variant Classification Criteria Version 2. Collection method: clinical testing. Allele origin: germline. Affected: yes. Observed: 1 variant allele.
Comment: SZT2: BP4, BP7